The following is an entry in ClinVar:

NM_000465.4(BARD1):c.577G>A (p.Glu193Lys)

Gene: BARD1 (BRCA1 associated RING domain 1; minus strand). Cytogenetic location: 2q35.
Variant type: single nucleotide variant.
Coding change: c.577G>A on transcript NM_000465.4 (MANE Select); coding-DNA position 577, G replaced by A.
Protein change: p.Glu193Lys; replaces glutamic acid 193 with lysine.
Molecular consequence: missense variant. On other transcripts: non-coding transcript variant (2), intron variant (3).
Genome position (GRCh38, 1-based): chr2:214,781,297, C>T on the plus strand (G>A on the coding strand, the complement: BARD1 is on the minus strand). VCF-style: chr2-214781297-C-T. GRCh37 (hg19) VCF-style: chr2-215646021-C-T.
Other names: c.577G>A (NM_000465.2); c.520G>A, p.Glu174Lys (NM_001282543.2); c.158+28115G>A (NM_001282548.2); c.215+15764G>A (NM_001282545.2); c.364+11000G>A (NM_001282549.2); short protein forms E174K, E193K.
Identifiers: ClinVar variation 1037048 (VCV001037048.10), dbSNP rs1695015277, ClinGen allele CA350456852.

ClinVar aggregate classification (germline): Conflicting classifications of pathogenicity. Review status: criteria provided, conflicting classifications (1 of 4 stars). 2 submissions from 2 submitters: Uncertain significance (1); Likely benign (1). Last evaluated 2024-02-26.

Conditions:
Hereditary cancer-predisposing syndrome. Also called: Neoplastic Syndromes, Hereditary; Hereditary Cancer Syndrome; Tumor predisposition; Hereditary neoplastic syndrome. Identifiers: Orphanet 140162, MedGen C0027672, MeSH D009386, MONDO:0015356.
Familial cancer of breast. Also called: hereditary breast carcinoma; Hereditary breast cancer; BREAST CANCER, FAMILIAL. Identifiers: Orphanet 227535, MedGen C0346153, MONDO:0016419, OMIM 114480. Disease mechanism: loss of function.

Submissions (2):

Ambry Genetics
Classification: Likely benign for Hereditary cancer-predisposing syndrome. Last evaluated: 2024-02-26. Review status: criteria provided, single submitter. Criteria: Ambry Variant Classification Scheme 2023. Collection method: clinical testing. Allele origin: germline.

Labcorp Genetics (formerly Invitae), Labcorp
Classification: Uncertain significance for Familial cancer of breast. Last evaluated: 2021-08-28. Review status: criteria provided, single submitter. Criteria: Invitae Variant Classification Sherloc (09022015). Collection method: clinical testing. Allele origin: germline.
Comment: This sequence change replaces glutamic acid with lysine at codon 193 of the BARD1 protein (p.Glu193Lys). The glutamic acid residue is moderately conserved and there is a small physicochemical difference between glutamic acid and lysine. This variant is not present in population databases (ExAC no frequency). This variant has not been reported in the literature in individuals affected with BARD1-related conditions. Algorithms developed to predict the effect of missense changes on protein structure and function output the following: SIFT: "Tolerated"; PolyPhen-2: "Benign"; Align-GVGD: "Class C0". The lysine amino acid residue is found in multiple mammalian species, which suggests that this missense change does not adversely affect protein function. In summary, the available evidence is currently insufficient to determine the role of this variant in disease. Therefore, it has been classified as a Variant of Uncertain Significance.